The following is an entry in ClinVar:

NM_012463.4(ATP6V0A2):c.724T>G (p.Cys242Gly)

Gene: ATP6V0A2 (ATPase H+ transporting V0 subunit a2; plus strand). Cytogenetic location: 12q24.31.
Variant type: single nucleotide variant.
Coding change: c.724T>G on transcript NM_012463.4 (MANE Select); coding-DNA position 724, T replaced by G.
Protein change: p.Cys242Gly; replaces cysteine 242 with glycine.
Molecular consequence: missense variant.
Genome position (GRCh38, 1-based): chr12:123,734,001, T>G. VCF-style: chr12-123734001-T-G. GRCh37 (hg19) VCF-style: chr12-124218548-T-G.
Other names: short protein forms C242G.
Identifiers: ClinVar variation 3369857 (VCV003369857.1).
Genomic context (GRCh38, chr12:123,734,001, plus strand): 5'-TGGTATGTCTTTTTAATATCCTTTTGGGGAGAGCAGATTGGCCACAAGGTTAAGAAGATA[T>G]GTGATTGGTAAGAAAAAGAAACATTTCATTTCATTTATGTCTTTATATTCAGTCACCTCT-3'
Protein context (NP_036595.2, residues 232-252): EQIGHKVKKI[Cys242Gly]DCYHCHVYPY

ClinVar aggregate classification (germline): Uncertain significance (1 of 4 stars; one submission).

gnomAD v4.1: 1 of 1,611,686 alleles (0.000062%); highest among the groups gnomAD compares: Admixed American, 0.0017%; no homozygotes.

Submission:

GeneDx
Classification: Uncertain significance. Last evaluated: 2024-02-27. Review status: criteria provided, single submitter. Criteria: GeneDx Variant Classification Process June 2021. Collection method: clinical testing. Allele origin: germline. Affected: yes.
Comment: In silico analysis supports that this missense variant has a deleterious effect on protein structure/function; Has not been previously published as pathogenic or benign to our knowledge; In silico analysis is inconclusive as to whether the variant alters gene splicing. In the absence of RNA/functional studies, the actual effect of this sequence change is unknown.